The following is an entry in ClinVar:

ClinVar aggregate classification (germline): Likely benign (1 of 4 stars; one submission).

Submission:

CeGaT Center for Human Genetics Tuebingen
Classification: Likely benign. Last evaluated: 2026-09-01. Review status: criteria provided, single submitter. Criteria: CeGaT Center For Human Genetics Tuebingen Variant Classification Criteria Version 2. Collection method: clinical testing. Allele origin: germline. Affected: yes. Observed: 1 variant allele.
Comment: MARS1: PM2:Supporting, BP4, BP7

NM_004990.4(MARS1):c.288G>A (p.Leu96=)

Gene: MARS1 (methionyl-tRNA synthetase 1; plus strand). Cytogenetic location: 12q13.3.
Variant type: single nucleotide variant.
Coding change: c.288G>A on transcript NM_004990.4 (MANE Select); coding-DNA position 288, G replaced by A.
Protein change: p.Leu96=; no amino-acid change (leucine 96 retained).
Molecular consequence: synonymous variant.
Genome position (GRCh38, 1-based): chr12:57,489,432, G>A. VCF-style: chr12-57489432-G-A. GRCh37 (hg19) VCF-style: chr12-57883215-G-A.
Identifiers: ClinVar variation 5041599 (VCV005041599.1).